The following is an entry in ClinVar:

ClinVar aggregate classification (germline): Pathogenic (1 of 4 stars; one submission).

Conditions:
Hereditary diffuse gastric adenocarcinoma (HDGC). Also called: DIFFUSE GASTRIC AND LOBULAR BREAST CANCER SYNDROME. Identifiers: Orphanet 26106, MedGen C1708349, MONDO:0007648, OMIM 137215.

Submission:

Myriad Genetics, Inc.
Classification: Pathogenic for Hereditary diffuse gastric adenocarcinoma. Last evaluated: 2023-06-09. Review status: criteria provided, single submitter. Criteria: Myriad Autosomal Dominant, Autosomal Recessive and X-Linked Classification Criteria (2023). Collection method: clinical testing. Allele origin: unknown.
Comment: This variant is considered pathogenic. This variant creates a frameshift predicted to result in premature protein truncation.

NM_004360.5(CDH1):c.506del (p.Gly169fs)

Gene: CDH1 (cadherin 1; plus strand). Cytogenetic location: 16q22.1.
Variant type: Deletion.
Coding change: c.506del on transcript NM_004360.5 (MANE Select); coding-DNA position 506, one base deleted (G; older notation c.506delG).
Protein change: p.Gly169fs; shifts the reading frame from glycine 169.
Molecular consequence: frameshift variant. On other transcripts: 5 prime UTR variant (2).
Genome position (GRCh38, 1-based): chr16:68,808,542, G deleted; the last of 2 consecutive G bases (chr16:68,808,541-68,808,542); deleting either gives the same sequence. VCF-style (leftmost placement, unchanged base first): chr16-68808540-AG-A. GRCh37 (hg19) VCF-style: chr16-68842443-AG-A.
Other names: c.506del, p.Gly169fs (NM_001317184.2); c.-1110del (NM_001317185.2); c.-1314del (NM_001317186.2); short protein forms G169fs.
Identifiers: ClinVar variation 2583464 (VCV002583464.2), dbSNP rs2543914962, ClinGen allele CA2582342569.
Genomic context (GRCh38, chr16:68,808,540, plus strand): 5'-CCTCAGAAGACAGAAGAGAGACTGGGTTATTCCTCCCATCAGCTGCCCAGAAAATGAAAA[AG>A]GCCCATTTCCTAAAAACCTGGTTCAGGTAGAGAAAGAAGTTCTCTGTTTCTCTGGGAGGG-3'